The following is an entry in ClinVar:

NM_031935.3(HMCN1):c.13621T>C (p.Cys4541Arg)

Gene: HMCN1 (hemicentin 1; plus strand). Cytogenetic location: 1q31.1.
Variant type: single nucleotide variant.
Coding change: c.13621T>C on transcript NM_031935.3 (MANE Select); coding-DNA position 13621, T replaced by C.
Protein change: p.Cys4541Arg; replaces cysteine 4541 with arginine.
Molecular consequence: missense variant.
Genome position (GRCh38, 1-based): chr1:186,137,536, T>C. VCF-style: chr1-186137536-T-C. GRCh37 (hg19) VCF-style: chr1-186106668-T-C.
Other names: short protein forms C4541R.
Identifiers: ClinVar variation 2111097 (VCV002111097.4), dbSNP rs142480286, ClinGen allele CA33468155.

ClinVar aggregate classification (germline): Uncertain significance (1 of 4 stars; one submission).

Allele frequency attached by ClinVar (database versions not stated): gnomAD exomes 0.00001; TOPMed 0.00001; ESP Exome Variant Server 0.00008.
gnomAD v4.1: 14 of 1,613,784 alleles (0.00087%); highest among the groups gnomAD compares: Non-Finnish European, 0.0012%; no homozygotes.

Submission:

Labcorp Genetics (formerly Invitae), Labcorp
Classification: Uncertain significance. Last evaluated: 2024-01-09. Review status: criteria provided, single submitter. Criteria: Invitae Variant Classification Sherloc (09022015). Collection method: clinical testing. Allele origin: germline.
Comment: This sequence change replaces cysteine, which is neutral and slightly polar, with arginine, which is basic and polar, at codon 4541 of the HMCN1 protein (p.Cys4541Arg). This variant is not present in population databases (gnomAD no frequency). This variant has not been reported in the literature in individuals affected with HMCN1-related conditions. ClinVar contains an entry for this variant (Variation ID: 2111097). An algorithm developed to predict the effect of missense changes on protein structure and function (PolyPhen-2) suggests that this variant is likely to be disruptive. In summary, the available evidence is currently insufficient to determine the role of this variant in disease. Therefore, it has been classified as a Variant of Uncertain Significance.